The following is an entry in ClinVar:

ClinVar aggregate classification (germline): Uncertain significance (1 of 4 stars; one submission).

gnomAD v4.1: 1 of 1,605,702 alleles (0.000062%); highest among the groups gnomAD compares: Non-Finnish European, 0.000085%; no homozygotes.

Submission:

CeGaT Center for Human Genetics Tuebingen
Classification: Uncertain significance. Last evaluated: 2024-07-01. Review status: criteria provided, single submitter. Criteria: CeGaT Center For Human Genetics Tuebingen Variant Classification Criteria Version 2. Collection method: clinical testing. Allele origin: germline. Affected: yes. Observed: 1 variant allele.
Comment: MN1: PM2

NM_002430.3(MN1):c.2876T>C (p.Phe959Ser)

Gene: MN1 (MN1 proto-oncogene, transcriptional regulator; minus strand). Cytogenetic location: 22q12.1.
Variant type: single nucleotide variant.
Coding change: c.2876T>C on transcript NM_002430.3 (MANE Select); coding-DNA position 2876, T replaced by C.
Protein change: p.Phe959Ser; replaces phenylalanine 959 with serine.
Molecular consequence: missense variant.
Genome position (GRCh38, 1-based): chr22:27,797,668, A>G on the plus strand (T>C on the coding strand, the complement: MN1 is on the minus strand). VCF-style: chr22-27797668-A-G. GRCh37 (hg19) VCF-style: chr22-28193656-A-G.
Other names: short protein forms F959S.
Identifiers: ClinVar variation 3257544 (VCV003257544.17).